The following is an entry in ClinVar:

NM_000751.3(CHRND):c.619+4C>A

Gene: CHRND (cholinergic receptor nicotinic delta subunit; plus strand). Cytogenetic location: 2q37.1.
Variant type: single nucleotide variant.
Coding change: c.619+4C>A on transcript NM_000751.3 (MANE Select); 4 bases into the intron after coding-DNA position 619, C replaced by A.
Molecular consequence: intron variant.
Genome position (GRCh38, 1-based): chr2:232,528,975, C>A. VCF-style: chr2-232528975-C-A. GRCh37 (hg19) VCF-style: chr2-233393685-C-A.
Other names: c.238+319C>A (NM_001311195.2); c.316+4C>A (NM_001311196.2); c.574+4C>A (NM_001256657.2).
Identifiers: ClinVar variation 534530 (VCV000534530.9), dbSNP rs367936158, ClinGen allele CA2168081.

ClinVar aggregate classification (germline): Uncertain significance. Review status: criteria provided, single submitter (1 of 4 stars). 2 submissions from 2 submitters: Uncertain significance (1). 1 of the submissions does not count toward it. Last evaluated 2026-01-28.

Conditions:
Lethal multiple pterygium syndrome (LMPS). Identifiers: Orphanet 33108, MedGen C1854678, MONDO:0009668, OMIM 253290.
CHRND-related disorder. Also called: CHRND-Related Disorders; CHRND-related condition.

Allele frequency attached by ClinVar (database versions not stated): ESP Exome Variant Server 0.00023; TOPMed 0.00023; gnomAD 0.00030 and 0.00032; gnomAD exomes 0.00032 and 0.00043; ExAC 0.00033.

Submissions (2):

Labcorp Genetics (formerly Invitae), Labcorp
Classification: Uncertain significance for Lethal multiple pterygium syndrome. Last evaluated: 2026-01-28. Review status: criteria provided, single submitter. Criteria: Invitae Variant Classification Sherloc (09022015). Collection method: clinical testing. Allele origin: germline.
Comment: This sequence change falls in intron 6 of the CHRND gene. It does not directly change the encoded amino acid sequence of the CHRND protein. It affects a nucleotide within the consensus splice site. This variant is present in population databases (rs367936158, gnomAD 0.2%). This variant has not been reported in the literature in individuals affected with CHRND-related conditions. ClinVar contains an entry for this variant (Variation ID: 534530). Variants that disrupt the consensus splice site are a relatively common cause of aberrant splicing (PMID: 17576681, 9536098). Algorithms developed to predict the effect of sequence changes on RNA splicing suggest that this variant is not likely to affect RNA splicing. In summary, the available evidence is currently insufficient to determine the role of this variant in disease. Therefore, it has been classified as a Variant of Uncertain Significance.

PreventionGenetics, part of Exact Sciences
Classification: Likely benign for CHRND-related condition. Last evaluated: 2019-09-17. Review status: no assertion criteria provided. Collection method: clinical testing. Allele origin: germline. Not counted in ClinVar's aggregate classification.
Comment: This variant is classified as likely benign based on ACMG/AMP sequence variant interpretation guidelines (Richards et al. 2015 PMID: 25741868, with internal and published modifications).

Literature cited by the submitters: PubMed 17576681 (cited by Labcorp Genetics (formerly Invitae), Labcorp); PubMed 9536098 (cited by Labcorp Genetics (formerly Invitae), Labcorp).